The following is an entry in ClinVar:

ClinVar aggregate classification (germline): Uncertain significance. Review status: criteria provided, multiple submitters, no conflicts (2 of 4 stars). 2 submissions from 2 submitters: Uncertain significance (2). Last evaluated 2023-03-23.

Conditions:
Hereditary cancer-predisposing syndrome. Also called: Tumor predisposition; Hereditary neoplastic syndrome; Neoplastic Syndromes, Hereditary; Hereditary Cancer Syndrome. Identifiers: Orphanet 140162, MedGen C0027672, MeSH D009386, MONDO:0015356.
Hereditary nonpolyposis colorectal neoplasms. Identifiers: MedGen C0009405, MeSH D003123.

Submissions (2):

Ambry Genetics
Classification: Uncertain significance for Hereditary cancer-predisposing syndrome. Last evaluated: 2023-03-23. Review status: criteria provided, single submitter. Criteria: Ambry Variant Classification Scheme 2023. Collection method: clinical testing. Allele origin: germline.
Comment: The p.L767R variant (also known as c.2300T>G), located in coding exon 14 of the PMS2 gene, results from a T to G substitution at nucleotide position 2300. The leucine at codon 767 is replaced by arginine, an amino acid with dissimilar properties. This amino acid position is conserved. In addition, this alteration is predicted to be deleterious by in silico analysis. Since supporting evidence is limited at this time, the clinical significance of this alteration remains unclear.

Labcorp Genetics (formerly Invitae), Labcorp
Classification: Uncertain significance for Hereditary nonpolyposis colorectal neoplasms. Last evaluated: 2021-06-16. Review status: criteria provided, single submitter. Criteria: Invitae Variant Classification Sherloc (09022015). Collection method: clinical testing. Allele origin: germline.
Comment: In summary, the available evidence is currently insufficient to determine the role of this variant in disease. Therefore, it has been classified as a Variant of Uncertain Significance. Algorithms developed to predict the effect of missense changes on protein structure and function (SIFT, PolyPhen-2, Align-GVGD) all suggest that this variant is likely to be disruptive. This variant has not been reported in the literature in individuals affected with PMS2-related conditions. The frequency data for this variant in the population databases (ExAC) is considered unreliable due to the presence of homologous sequence, such as pseudogenes or paralogs, in the genome. This sequence change replaces leucine with arginine at codon 767 of the PMS2 protein (p.Leu767Arg). The leucine residue is highly conserved and there is a moderate physicochemical difference between leucine and arginine.

NM_000535.7(PMS2):c.2300T>G (p.Leu767Arg)

Gene: PMS2 (PMS1 homolog 2, mismatch repair system component; minus strand). Cytogenetic location: 7p22.1.
Variant type: single nucleotide variant.
Coding change: c.2300T>G on transcript NM_000535.7 (MANE Select); coding-DNA position 2300, T replaced by G.
Protein change: p.Leu767Arg; replaces leucine 767 with arginine.
Molecular consequence: missense variant.
Genome position (GRCh38, 1-based): chr7:5,977,733, A>C on the plus strand (T>G on the coding strand, the complement: PMS2 is on the minus strand). VCF-style: chr7-5977733-A-C. GRCh37 (hg19) VCF-style: chr7-6017364-A-C.
Other names: c.2300T>G (NM_000535.5); c.1895T>G, p.Leu632Arg (NM_001322003.2, NM_001322004.2, NM_001322005.2); c.2144T>G, p.Leu715Arg (NM_001322006.2); c.1982T>G, p.Leu661Arg (NM_001322007.2, NM_001322008.2); c.1928T>G, p.Leu643Arg (NM_001322009.2); c.1739T>G, p.Leu580Arg (NM_001322010.2); c.1367T>G, p.Leu456Arg (NM_001322011.2, NM_001322012.2); c.1727T>G, p.Leu576Arg (NM_001322013.2); and 2 more; short protein forms L643R, L661R, L580R, L715R, L456R, L632R, L664R, L778R.
Identifiers: ClinVar variation 1496429 (VCV001496429.9), dbSNP rs1781853056, ClinGen allele CA366736084.
Genomic context (GRCh38, chr7:5,977,733, plus strand): 5'-ATCAGTTCATCGACGTCCTGGGGTCCGAAGGTCCAGTTTTTACTAGTTGGCAAGGAAATC[A>C]GTTTAGCCCTTTCAGTGACTGGAGCTAAAAGAATACAATTTTGAGAAAAATCCATGACTT-3'
Protein context (NP_000526.2, residues 757-777): ENAPVTERAK[Leu767Arg]ISLPTSKNWT